The following is an entry in ClinVar:

ClinVar aggregate classification (germline): Uncertain significance (1 of 4 stars; one submission).

gnomAD v4.1: 4 of 1,462,248 alleles (0.00027%); highest among the groups gnomAD compares: Admixed American, 0.0048%; no homozygotes.

Submission:

Labcorp Genetics (formerly Invitae), Labcorp
Classification: Uncertain significance. Last evaluated: 2026-02-01. Review status: criteria provided, single submitter. Criteria: Invitae Variant Classification Sherloc (09022015). Collection method: clinical testing. Allele origin: germline.
Comment: This sequence change replaces serine, which is neutral and polar, with alanine, which is neutral and non-polar, at codon 14 of the ATP8A2 protein (p.Ser14Ala). This variant is not present in population databases (gnomAD no frequency). This variant has not been reported in the literature in individuals affected with ATP8A2-related conditions. An algorithm developed to predict the effect of missense changes on protein structure and function (PolyPhen-2) suggests that this variant is likely to be tolerated. In summary, the available evidence is currently insufficient to determine the role of this variant in disease. Therefore, it has been classified as a Variant of Uncertain Significance.

NM_016529.6(ATP8A2):c.40T>G (p.Ser14Ala)

Gene: ATP8A2 (ATPase phospholipid transporting 8A2). Cytogenetic location: 13q12.13.
Variant type: single nucleotide variant.
Coding change: c.40T>G on transcript NM_016529.6 (MANE Select); coding-DNA position 40, T replaced by G.
Protein change: p.Ser14Ala; replaces serine 14 with alanine.
Molecular consequence: missense variant.
Genome position (GRCh38, 1-based): chr13:25,372,252, T>G. VCF-style: chr13-25372252-T-G. GRCh37 (hg19) VCF-style: chr13-25946390-T-G.
Other names: c.40T>G, p.Ser14Ala (NM_001411005.1, NM_001411006.1); short protein forms S14A.
Identifiers: ClinVar variation 4693920 (VCV004693920.1).
Genomic context (GRCh38, chr13:25,372,252, plus strand): 5'-CGAGCCCCCGACACGGGCGAGATGCTGAACGGCGCAGGCCTGGACAAAGCTCTTAAGATG[T>G]CCCTGCCGCGGAGGTCGAGGATCCGCTCGTCCGTGGGTGAGCTGGGAGGGGCGCGGCGAG-3'
Protein context (NP_057613.4, residues 4-24): GAGLDKALKM[Ser14Ala]LPRRSRIRSS